The following is an entry in ClinVar:

NM_001039213.4(CEACAM16):c.365G>T (p.Gly122Val)

Genes: CEACAM16 (CEA cell adhesion molecule 16, tectorial membrane component; plus strand), CEACAM16-AS1 (CEACAM16, CEACAM19 and PVR antisense RNA 1; minus strand). Cytogenetic location: 19q13.32.
Variant type: single nucleotide variant.
Coding change: c.365G>T on transcript NM_001039213.4 (MANE Select); coding-DNA position 365, G replaced by T.
Protein change: p.Gly122Val; replaces glycine 122 with valine.
Molecular consequence: missense variant.
Genome position (GRCh38, 1-based): chr19:44,703,676, G>T. VCF-style: chr19-44703676-G-T. GRCh37 (hg19) VCF-style: chr19-45206946-G-T.
Other names: short protein forms G122V.
Identifiers: ClinVar variation 3684753 (VCV003684753.2).

ClinVar aggregate classification (germline): Uncertain significance (1 of 4 stars; one submission).

Submission:

Labcorp Genetics (formerly Invitae), Labcorp
Classification: Uncertain significance. Last evaluated: 2024-09-27. Review status: criteria provided, single submitter. Criteria: Invitae Variant Classification Sherloc (09022015). Collection method: clinical testing. Allele origin: germline.
Comment: This sequence change replaces glycine, which is neutral and non-polar, with valine, which is neutral and non-polar, at codon 122 of the CEACAM16 protein (p.Gly122Val). This variant is not present in population databases (gnomAD no frequency). This variant has not been reported in the literature in individuals affected with CEACAM16-related conditions. Invitae Evidence Modeling of protein sequence and biophysical properties (such as structural, functional, and spatial information, amino acid conservation, physicochemical variation, residue mobility, and thermodynamic stability) indicates that this missense variant is not expected to disrupt CEACAM16 protein function with a negative predictive value of 80%. In summary, the available evidence is currently insufficient to determine the role of this variant in disease. Therefore, it has been classified as a Variant of Uncertain Significance.